The following is an entry in ClinVar:

ClinVar aggregate classification (germline): Uncertain significance (1 of 4 stars; one submission).

Conditions:
Cardiovascular phenotype. Identifiers: MedGen CN230736.

Submission:

Ambry Genetics
Classification: Uncertain significance for Cardiovascular phenotype. Last evaluated: 2026-08-29. Review status: criteria provided, single submitter. Criteria: Ambry Variant Classification Scheme 2023. Collection method: clinical testing. Allele origin: germline.
Comment: The p.P1065R variant (also known as c.3194C>G), located in coding exon 15 of the MYPN gene, results from a C to G substitution at nucleotide position 3194. The proline at codon 1065 is replaced by arginine, an amino acid with dissimilar properties. This amino acid position is conserved. In addition, this alteration is predicted to be tolerated by in silico analysis. Based on the available evidence, the clinical significance of this variant remains unclear.

NM_032578.4(MYPN):c.3194C>G (p.Pro1065Arg)

Gene: MYPN (myopalladin; plus strand). Cytogenetic location: 10q21.3.
Variant type: single nucleotide variant.
Coding change: c.3194C>G on transcript NM_032578.4 (MANE Select); coding-DNA position 3194, C replaced by G.
Protein change: p.Pro1065Arg; replaces proline 1065 with arginine.
Molecular consequence: missense variant. On other transcripts: non-coding transcript variant (2).
Genome position (GRCh38, 1-based): chr10:68,197,387, C>G. VCF-style: chr10-68197387-C-G. GRCh37 (hg19) VCF-style: chr10-69957144-C-G.
Other names: c.3194C>G, p.Pro1065Arg (NM_001256267.2); c.2312C>G, p.Pro771Arg (NM_001256268.2); short protein forms P771R, P1065R.
Identifiers: ClinVar variation 5025312 (VCV005025312.1).